The following is an entry in ClinVar:

NM_000807.4(GABRA2):c.-3G>A

Gene: GABRA2 (gamma-aminobutyric acid type A receptor subunit alpha2; minus strand). Cytogenetic location: 4p12.
Variant type: single nucleotide variant.
Coding change: c.-3G>A on transcript NM_000807.4 (MANE Select); 3 bases upstream of the start codon, G replaced by A.
Molecular consequence: 5 prime UTR variant.
Genome position (GRCh38, 1-based): chr4:46,388,709, C>T on the plus strand (G>A on the coding strand, the complement: GABRA2 is on the minus strand). VCF-style: chr4-46388709-C-T. GRCh37 (hg19) VCF-style: chr4-46390726-C-T.
Other names: c.-3G>A (NM_001114175.3, NM_001330690.2, NM_001377144.1 and 8 more transcripts); c.-100G>A (NM_001286827.3, NM_001377152.1, NM_001377153.1 and 1 more transcripts).
Identifiers: ClinVar variation 4886686 (VCV004886686.2).
Genomic context (GRCh38, chr4:46,388,709, plus strand): 5'-ACACCAAGAAAACAAAAAGCAGGAACTGCATGTTGTAGATGTTCAATTTTGTCTTCATCA[C>T]CGCCGCTCTTTACAAAGCCATGGAATGAAAAACAAAATACACTTAAAATTGCCTTCAGTT-3'

ClinVar aggregate classification (germline): Uncertain significance (1 of 4 stars; one submission).

Submission:

Dasa
Classification: Uncertain significance. Last evaluated: 2026-01-16. Review status: criteria provided, single submitter. Criteria: DASA Assertion Criteria. Collection method: clinical testing. Allele origin: germline.
Comment: NM_000807.4(GABRA2):c.-3G>A is a splice-region variant. This variant is rare in population databases. Computational prediction algorithms are consistent with a benign effect. The currently available literature and clinical evidence are not sufficient to establish a definitive association between this variant and the reported condition. Therefore, this variant is classified as a variant of uncertain significance.